The following is an entry in ClinVar:

ClinVar aggregate classification (germline): Uncertain significance (1 of 4 stars; one submission).

gnomAD v4.1: 39 of 1,536,212 alleles (0.0025%); highest among the groups gnomAD compares: Admixed American, 0.024%; no homozygotes.

Submission:

Labcorp Genetics (formerly Invitae), Labcorp
Classification: Uncertain significance. Last evaluated: 2025-06-16. Review status: criteria provided, single submitter. Criteria: Invitae Variant Classification Sherloc (09022015). Collection method: clinical testing. Allele origin: germline.
Comment: This sequence change replaces proline, which is neutral and non-polar, with serine, which is neutral and polar, at codon 346 of the SLC10A7 protein (p.Pro346Ser). This variant is present in population databases (rs746946691, gnomAD 0.03%). This variant has not been reported in the literature in individuals affected with SLC10A7-related conditions. An algorithm developed to predict the effect of missense changes on protein structure and function (PolyPhen-2) suggests that this variant is likely to be tolerated. In summary, the available evidence is currently insufficient to determine the role of this variant in disease. Therefore, it has been classified as a Variant of Uncertain Significance.

NM_001029998.6(SLC10A7):c.994-374C>T

Gene: SLC10A7 (solute carrier family 10 member 7; minus strand). Cytogenetic location: 4q31.22.
Variant type: single nucleotide variant.
Coding change: c.994-374C>T on transcript NM_001029998.6 (MANE Select); 374 bases into the intron before coding-DNA position 994, C replaced by T.
Molecular consequence: intron variant. On other transcripts: missense variant (1).
Genome position (GRCh38, 1-based): chr4:146,256,894, G>A on the plus strand (C>T on the coding strand, the complement: SLC10A7 is on the minus strand). VCF-style: chr4-146256894-G-A. GRCh37 (hg19) VCF-style: chr4-147178046-G-A.
Other names: c.1036C>T, p.Pro346Ser (NM_001300842.3); c.955-374C>T (NM_001317816.2); short protein forms P346S.
Identifiers: ClinVar variation 4708211 (VCV004708211.1).